The following is an entry in ClinVar:

NM_020778.5(ALPK3):c.4912A>C (p.Lys1638Gln)

Gene: ALPK3 (alpha kinase 3; plus strand). Cytogenetic location: 15q25.3.
Variant type: single nucleotide variant.
Coding change: c.4912A>C on transcript NM_020778.5 (MANE Select); coding-DNA position 4912, A replaced by C.
Protein change: p.Lys1638Gln; replaces lysine 1638 with glutamine.
Molecular consequence: missense variant.
Genome position (GRCh38, 1-based): chr15:84,868,250, A>C. VCF-style: chr15-84868250-A-C. GRCh37 (hg19) VCF-style: chr15-85411481-A-C.
Other names: short protein forms K1638Q.
Identifiers: ClinVar variation 3650847 (VCV003650847.2).

ClinVar aggregate classification (germline): Uncertain significance (1 of 4 stars; one submission).

gnomAD v4.1: 1 of 1,614,178 alleles (0.000062%); no homozygotes.

Submission:

Labcorp Genetics (formerly Invitae), Labcorp
Classification: Uncertain significance. Last evaluated: 2024-04-25. Review status: criteria provided, single submitter. Criteria: Invitae Variant Classification Sherloc (09022015). Collection method: clinical testing. Allele origin: germline.
Comment: This sequence change replaces lysine, which is basic and polar, with glutamine, which is neutral and polar, at codon 1840 of the ALPK3 protein (p.Lys1840Gln). This variant is not present in population databases (gnomAD no frequency). This variant has not been reported in the literature in individuals affected with ALPK3-related conditions. An algorithm developed to predict the effect of missense changes on protein structure and function (PolyPhen-2) suggests that this variant is likely to be disruptive. In summary, the available evidence is currently insufficient to determine the role of this variant in disease. Therefore, it has been classified as a Variant of Uncertain Significance.